The following is an entry in ClinVar:

NM_003718.5(CDK13):c.2855C>T (p.Pro952Leu)

Gene: CDK13 (cyclin dependent kinase 13; plus strand). Cytogenetic location: 7p14.1.
Variant type: single nucleotide variant.
Coding change: c.2855C>T on transcript NM_003718.5 (MANE Select); coding-DNA position 2855, C replaced by T.
Protein change: p.Pro952Leu; replaces proline 952 with leucine.
Molecular consequence: missense variant.
Genome position (GRCh38, 1-based): chr7:40,078,079, C>T. VCF-style: chr7-40078079-C-T. GRCh37 (hg19) VCF-style: chr7-40117678-C-T.
Other names: c.2855C>T, p.Pro952Leu (NM_031267.4); short protein forms P952L.
Identifiers: ClinVar variation 3905664 (VCV003905664.10).

ClinVar aggregate classification (germline): Likely benign (1 of 4 stars; one submission).

Submission:

CeGaT Center for Human Genetics Tuebingen
Classification: Likely benign. Last evaluated: 2025-05-01. Review status: criteria provided, single submitter. Criteria: CeGaT Center For Human Genetics Tuebingen Variant Classification Criteria Version 2. Collection method: clinical testing. Allele origin: germline. Affected: yes. Observed: 1 variant allele.
Comment: CDK13: PM2, PP2, BS2